The following is an entry in ClinVar:

ClinVar aggregate classification (germline): Uncertain significance. Review status: criteria provided, multiple submitters, no conflicts (2 of 4 stars). 2 submissions from 2 submitters: Uncertain significance (2). Last evaluated 2022-05-27.

Allele frequency attached by ClinVar (database versions not stated): gnomAD exomes below 0.00001 and 0.00001; ExAC 0.00001; gnomAD 0.00001; TOPMed 0.00001.
gnomAD v4.1: 17 of 1,613,412 alleles (0.0011%); highest among the groups gnomAD compares: Middle Eastern, 0.016%; no homozygotes.

Submissions (2):

GeneDx
Classification: Uncertain significance. Last evaluated: 2022-05-27. Review status: criteria provided, single submitter. Criteria: GeneDx Variant Classification Process June 2021. Collection method: clinical testing. Allele origin: germline. Affected: yes.
Comment: Has not been previously published as pathogenic or benign to our knowledge; Not observed at significant frequency in large population cohorts (gnomAD); In silico analysis supports that this missense variant has a deleterious effect on protein structure/function

Blueprint Genetics
Classification: Uncertain significance. Last evaluated: 2019-06-23. Review status: criteria provided, single submitter. Criteria: ACMG Guidelines, 2015. Collection method: clinical testing. Allele origin: germline.

NM_022114.4(PRDM16):c.977G>A (p.Arg326His)

Gene: PRDM16 (PR/SET domain 16; plus strand). Cytogenetic location: 1p36.32.
Variant type: single nucleotide variant.
Coding change: c.977G>A on transcript NM_022114.4 (MANE Select); coding-DNA position 977, G replaced by A.
Protein change: p.Arg326His; replaces arginine 326 with histidine.
Molecular consequence: missense variant.
Genome position (GRCh38, 1-based): chr1:3,404,831, G>A. VCF-style: chr1-3404831-G-A. GRCh37 (hg19) VCF-style: chr1-3321395-G-A.
Other names: c.977G>A, p.Arg326His (NM_199454.3); short protein forms R326H.
Identifiers: ClinVar variation 1687649 (VCV001687649.3), dbSNP rs757773480, ClinGen allele CA544040.